The following is an entry in ClinVar:

ClinVar aggregate classification (germline): Uncertain significance (1 of 4 stars; one submission).

Conditions:
Cardiovascular phenotype. Identifiers: MedGen CN230736.

Submission:

Ambry Genetics
Classification: Uncertain significance for Cardiovascular phenotype. Last evaluated: 2026-06-25. Review status: criteria provided, single submitter. Criteria: Ambry Variant Classification Scheme 2023. Collection method: clinical testing. Allele origin: germline.
Comment: The p.Q1855E variant (also known as c.5563C>G), located in coding exon 34 of the MYH6 gene, results from a C to G substitution at nucleotide position 5563. The glutamine at codon 1855 is replaced by glutamic acid, an amino acid with highly similar properties. This amino acid position is conserved. In addition, this alteration is predicted to be deleterious by in silico analysis. Based on the available evidence, the clinical significance of this variant remains unclear.

NM_002471.4(MYH6):c.5563C>G (p.Gln1855Glu)

Gene: MYH6 (myosin heavy chain 6; minus strand). Cytogenetic location: 14q11.2.
Variant type: single nucleotide variant.
Coding change: c.5563C>G on transcript NM_002471.4 (MANE Select); coding-DNA position 5563, C replaced by G.
Protein change: p.Gln1855Glu; replaces glutamine 1855 with glutamic acid.
Molecular consequence: missense variant.
Genome position (GRCh38, 1-based): chr14:23,384,444, G>C on the plus strand (C>G on the coding strand, the complement: MYH6 is on the minus strand). VCF-style: chr14-23384444-G-C. GRCh37 (hg19) VCF-style: chr14-23853653-G-C.
Other names: short protein forms Q1855E.
Identifiers: ClinVar variation 5025118 (VCV005025118.1).